The following is an entry in ClinVar:

ClinVar aggregate classification (germline): Uncertain significance (1 of 4 stars; one submission).

Submission:

Ambry Genetics
Classification: Uncertain significance. Last evaluated: 2026-06-08. Review status: criteria provided, single submitter. Criteria: Ambry Variant Classification Scheme 2023. Collection method: clinical testing. Allele origin: germline.
Comment: The p.M485L variant (also known as c.1453A>C), located in coding exon 13 of the GEN1 gene, results from an A to C substitution at nucleotide position 1453. The methionine at codon 485 is replaced by leucine, an amino acid with highly similar properties. This amino acid position is conserved. In addition, this alteration is predicted to be tolerated by in silico analysis. Based on the available evidence, the clinical significance of this variant remains unclear.

NM_001130009.3(GEN1):c.1453A>C (p.Met485Leu)

Gene: GEN1 (GEN1 structure-specific endonuclease; plus strand). Cytogenetic location: 2p24.2.
Variant type: single nucleotide variant.
Coding change: c.1453A>C on transcript NM_001130009.3 (MANE Select); coding-DNA position 1453, A replaced by C.
Protein change: p.Met485Leu; replaces methionine 485 with leucine.
Molecular consequence: missense variant.
Genome position (GRCh38, 1-based): chr2:17,780,665, A>C. VCF-style: chr2-17780665-A-C. GRCh37 (hg19) VCF-style: chr2-17961932-A-C.
Other names: c.1453A>C, p.Met485Leu (NM_182625.5); short protein forms M485L.
Identifiers: ClinVar variation 4858010 (VCV004858010.1).